The following is an entry in ClinVar:

ClinVar aggregate classification (germline): Uncertain significance (1 of 4 stars; one submission).

Conditions:
Oligodontia-cancer predisposition syndrome. Also called: TOOTH AGENESIS-COLORECTAL CANCER SYNDROME. Identifiers: Orphanet 300576, MedGen C1837750, MONDO:0012075, OMIM 608615. Disease mechanism: loss of function.

Submission:

Labcorp Genetics (formerly Invitae), Labcorp
Classification: Uncertain significance for Oligodontia-cancer predisposition syndrome. Last evaluated: 2024-03-26. Review status: criteria provided, single submitter. Criteria: Invitae Variant Classification Sherloc (09022015). Collection method: clinical testing. Allele origin: germline.
Comment: This sequence change replaces arginine, which is basic and polar, with leucine, which is neutral and non-polar, at codon 326 of the AXIN2 protein (p.Arg326Leu). This variant is not present in population databases (gnomAD no frequency). This variant has not been reported in the literature in individuals affected with AXIN2-related conditions. Advanced modeling of protein sequence and biophysical properties (such as structural, functional, and spatial information, amino acid conservation, physicochemical variation, residue mobility, and thermodynamic stability) performed at Invitae indicates that this missense variant is not expected to disrupt AXIN2 protein function with a negative predictive value of 80%. In summary, the available evidence is currently insufficient to determine the role of this variant in disease. Therefore, it has been classified as a Variant of Uncertain Significance.

NM_004655.4(AXIN2):c.977G>T (p.Arg326Leu)

Gene: AXIN2 (axin 2; minus strand). Cytogenetic location: 17q24.1.
Variant type: single nucleotide variant.
Coding change: c.977G>T on transcript NM_004655.4 (MANE Select); coding-DNA position 977, G replaced by T.
Protein change: p.Arg326Leu; replaces arginine 326 with leucine.
Molecular consequence: missense variant.
Genome position (GRCh38, 1-based): chr17:65,541,537, C>A on the plus strand (G>T on the coding strand, the complement: AXIN2 is on the minus strand). VCF-style: chr17-65541537-C-A. GRCh37 (hg19) VCF-style: chr17-63537655-C-A.
Other names: c.977G>T, p.Arg326Leu (NM_001363813.1); short protein forms R326L.
Identifiers: ClinVar variation 3645613 (VCV003645613.2).